The following is an entry in ClinVar:

NM_004998.4(MYO1E):c.1616+5G>A

Gene: MYO1E (myosin IE; minus strand). Cytogenetic location: 15q22.2.
Variant type: single nucleotide variant.
Coding change: c.1616+5G>A on transcript NM_004998.4 (MANE Select); 5 bases into the intron after coding-DNA position 1616, G replaced by A.
Molecular consequence: intron variant.
Genome position (GRCh38, 1-based): chr15:59,205,395, C>T on the plus strand (G>A on the coding strand, the complement: MYO1E is on the minus strand). VCF-style: chr15-59205395-C-T. GRCh37 (hg19) VCF-style: chr15-59497594-C-T.
Identifiers: ClinVar variation 4855997 (VCV004855997.1).

ClinVar aggregate classification (germline): Uncertain significance (1 of 4 stars; one submission).

Conditions:
Focal segmental glomerulosclerosis 6 (FSGS6). Identifiers: Orphanet 656, MedGen C3279905, MONDO:0013589, OMIM 614131.

Submission:

3billion
Classification: Uncertain significance for Focal segmental glomerulosclerosis 6. Last evaluated: 2025-08-26. Review status: criteria provided, single submitter. Criteria: ACMG Guidelines, 2015. Collection method: clinical testing. Allele origin: germline. Affected: yes.
Comment: The variant is not observed in the gnomAD v4.1.0 dataset. Predicted Consequence/Location: Intron variant In silico tools predict the variant to alter splicing and produce an abnormal transcript [SpliceAI: 0.45 (>=0.2, moderate evidence for spliceogenicity)]. Therefore, this variant is classified as VUS according to the recommendation of ACMG/AMP guideline.